The following is an entry in ClinVar:

NM_181458.4(PAX3):c.713T>C (p.Phe238Ser)

Gene: PAX3 (paired box 3; minus strand). Cytogenetic location: 2q36.1.
Variant type: single nucleotide variant.
Coding change: c.713T>C on transcript NM_181458.4 (MANE Select); coding-DNA position 713, T replaced by C.
Protein change: p.Phe238Ser; replaces phenylalanine 238 with serine.
Molecular consequence: missense variant.
Genome position (GRCh38, 1-based): chr2:222,232,157, A>G on the plus strand (T>C on the coding strand, the complement: PAX3 is on the minus strand). VCF-style: chr2-222232157-A-G. GRCh37 (hg19) VCF-style: chr2-223096876-A-G.
Other names: c.710T>C, p.Phe237Ser (NM_001127366.3); c.713T>C, p.Phe238Ser (NM_181457.4, NM_181459.4, NM_181460.4 and 1 more transcripts); short protein forms F237S, F238S.
Identifiers: ClinVar variation 1684545 (VCV001684545.3), dbSNP rs2106095147, ClinGen allele CA351112430.

ClinVar aggregate classification (germline): Pathogenic (0 of 4 stars; one submission).

Conditions:
Waardenburg syndrome type 1 (WS1). Also called: WAARDENBURG SYNDROME WITH DYSTOPIA CANTHORUM; Waardenburg Syndrome Type I. Identifiers: Orphanet 894, MedGen C1847800, MONDO:0008670, OMIM 193500.

Submission:

Center for Human Genetics and Genomic Medicine, Uniklinik Rwth Aachen
Classification: Pathogenic for Waardenburg syndrome type 1. Last evaluated: 2022-05-20. Review status: no assertion criteria provided. Collection method: clinical testing. Allele origin: germline. Inheritance: Autosomal dominant inheritance. Affected: yes. Observed: 1 heterozygote.
Comment: In the literature (see below) it is discussed several times in connection with Waardenburg syndrome. Functional tests revealed a functional loss of the detected change (Wu et al.). The affected amino acid is in the HD domain and is highly conserved. This is also reflected in the bioinformatic predictions of the pathogenicity of the change, which predominantly assess the exchange as causing disease (CADD, SIFT, polyphene). Taking into account the functional investigations in the literature and the dominant inheritance within the family with three affected individuals, the variant is currently to be regarded as a "pathogenic variant". The Variant was Functional studies support a pathogenic effect of the variant.( Wu et al., Loading of PAX3 to Mitotic Chromosomes Is Mediated by Arginine Methylation and Associated with Waardenburg Syndrome, J Biol Chem. 2015 Aug 14;290(33):20556-64. ...Expression of PAX3 WS mutants in HD (F238S, Y243S, W266C, R270C, and R271G) also blocked cell cycle progression through S/G2/M phases (Fig. 4C, left panel) and resulted in an increased proportion of cells having a ploidy greater than 4n (Fig. 4C, right panel), which demonstrated that mutations in HD possess a dominant negative effect on cell cycle progression.")

Literature cited by the submitters: PubMed 26149688; PubMed 20127975.